The following is an entry in ClinVar:

NM_024915.4(GRHL2):c.83C>T (p.Ala28Val)

Gene: GRHL2 (grainyhead like transcription factor 2; plus strand). Cytogenetic location: 8q22.3.
Variant type: single nucleotide variant.
Coding change: c.83C>T on transcript NM_024915.4 (MANE Select); coding-DNA position 83, C replaced by T.
Protein change: p.Ala28Val; replaces alanine 28 with valine.
Molecular consequence: missense variant.
Genome position (GRCh38, 1-based): chr8:101,543,303, C>T. VCF-style: chr8-101543303-C-T. GRCh37 (hg19) VCF-style: chr8-102555531-C-T.
Other names: c.35C>T, p.Ala12Val (NM_001330593.2, NM_001440448.1); c.83C>T, p.Ala28Val (NM_001440447.1); short protein forms A12V, A28V.
Identifiers: ClinVar variation 4976048 (VCV004976048.1).

ClinVar aggregate classification (germline): Uncertain significance (1 of 4 stars; one submission).

gnomAD v4.1: 3 of 1,614,038 alleles (0.00019%); highest among the groups gnomAD compares: Non-Finnish European, 0.00017%; no homozygotes.

Submission:

GeneDx
Classification: Uncertain significance. Last evaluated: 2026-02-05. Review status: criteria provided, single submitter. Criteria: GeneDx Variant Classification Process June 2021. Collection method: clinical testing. Allele origin: germline.
Comment: Not observed at significant frequency in large population cohorts (gnomAD); In silico analysis suggests that this missense variant does not alter protein structure/function; Has not been previously published as pathogenic or benign to our knowledge